The following is an entry in ClinVar:

ClinVar aggregate classification (germline): Uncertain significance (1 of 4 stars; one submission).

Conditions:
Dilated cardiomyopathy 1DD (CMD1DD). Identifiers: Orphanet 154, MedGen C2750995, MONDO:0013168, OMIM 613172.

Submission:

Labcorp Genetics (formerly Invitae), Labcorp
Classification: Uncertain significance for Dilated cardiomyopathy 1DD. Last evaluated: 2023-06-25. Review status: criteria provided, single submitter. Criteria: Invitae Variant Classification Sherloc (09022015). Collection method: clinical testing. Allele origin: germline.
Comment: In summary, the available evidence is currently insufficient to determine the role of this variant in disease. Therefore, it has been classified as a Variant of Uncertain Significance. Advanced modeling of protein sequence and biophysical properties (such as structural, functional, and spatial information, amino acid conservation, physicochemical variation, residue mobility, and thermodynamic stability) performed at Invitae indicates that this missense variant is not expected to disrupt RBM20 protein function. This variant has not been reported in the literature in individuals affected with RBM20-related conditions. This variant is not present in population databases (gnomAD no frequency). This sequence change replaces phenylalanine, which is neutral and non-polar, with tyrosine, which is neutral and polar, at codon 1161 of the RBM20 protein (p.Phe1161Tyr).

NM_001134363.3(RBM20):c.3482T>A (p.Phe1161Tyr)

Gene: RBM20 (RNA binding motif protein 20; plus strand). Cytogenetic location: 10q25.2.
Variant type: single nucleotide variant.
Coding change: c.3482T>A on transcript NM_001134363.3 (MANE Select); coding-DNA position 3482, T replaced by A.
Protein change: p.Phe1161Tyr; replaces phenylalanine 1161 with tyrosine.
Molecular consequence: missense variant.
Genome position (GRCh38, 1-based): chr10:110,831,091, T>A. VCF-style: chr10-110831091-T-A. GRCh37 (hg19) VCF-style: chr10-112590849-T-A.
Other names: short protein forms F1161Y.
Identifiers: ClinVar variation 2728465 (VCV002728465.3), dbSNP rs2493514799, ClinGen allele CA378386458.